The following is an entry in ClinVar:

NM_020436.5(SALL4):c.766A>G (p.Thr256Ala)

Gene: SALL4 (spalt like transcription factor 4; minus strand). Cytogenetic location: 20q13.2.
Variant type: single nucleotide variant.
Coding change: c.766A>G on transcript NM_020436.5 (MANE Select); coding-DNA position 766, A replaced by G.
Protein change: p.Thr256Ala; replaces threonine 256 with alanine.
Molecular consequence: missense variant.
Genome position (GRCh38, 1-based): chr20:51,791,717, T>C on the plus strand (A>G on the coding strand, the complement: SALL4 is on the minus strand). VCF-style: chr20-51791717-T-C. GRCh37 (hg19) VCF-style: chr20-50408256-T-C.
Other names: c.766A>G (NM_020436.4, NM_020436.3); c.766A>G, p.Thr256Ala (NM_001318031.2); short protein forms T256A.
Identifiers: ClinVar variation 286760 (VCV000286760.9), dbSNP rs139802240, ClinGen allele CA9912394.
Genomic context (GRCh38, chr20:51,791,717, plus strand): 5'-TGAGCAAAGCCACAGCTGCAGAAACCTGCTGAGACATGTGGCTGCCCAAGGTCTTCAGAG[T>C]GTCGGCCCCTGCCCCGCTTGAGTGGAGGGCGTGGGAGGCCCACATGTTCACCTGGATGCG-3'
Protein context (NP_065169.1, residues 246-266): ALHSSGAGAD[Thr256Ala]LKTLGSHMSQ

ClinVar aggregate classification (germline): Conflicting classifications of pathogenicity. Review status: criteria provided, conflicting classifications (1 of 4 stars). 5 submissions from 5 submitters: Uncertain significance (4); Likely benign (1). Last evaluated 2024-11-06.

Conditions:
SALL4-Related Disorders. Also called: SALL4-related disorder; SALL4-related condition. Identifiers: MedGen CN381056.
Inborn genetic diseases. Identifiers: MedGen C0950123, MeSH D030342.
Oculootoradial syndrome (IVIC). Also called: RADIAL RAY DEFECTS, HEARING IMPAIRMENT, EXTERNAL OPHTHALMOPLEGIA, AND THROMBOCYTOPENIA; IVIC syndrome. Identifiers: Orphanet 2307, MedGen C1327918, MONDO:0007836, OMIM 147750.
Duane-radial ray syndrome (DRRS). Also called: DR SYNDROME; DUANE ANOMALY WITH RADIAL RAY ABNORMALITIES AND DEAFNESS; Duane-Radial Ray Syndrome (DRRS) / Okihiro Syndrome; ACRORENOOCULAR SYNDROME; Okihiro Syndrome; Duane-Radial Ray Syndrome/Okihiro Syndrome. Identifiers: Orphanet 93293, Orphanet 959, MedGen C1623209, MONDO:0011812, OMIM 607323. Disease mechanism: gain of function.

Allele frequency attached by ClinVar (database versions not stated): gnomAD 0.00003; TOPMed 0.00003; ESP Exome Variant Server 0.00008; gnomAD exomes 0.00008 and 0.00017; ExAC 0.00013.
gnomAD v4.1: 249 of 1,613,968 alleles (0.015%); highest among the groups gnomAD compares: Non-Finnish European, 0.021%; no homozygotes.

Submissions (5):

Blueprint Genetics
Classification: Likely benign. Last evaluated: 2024-11-06. Review status: criteria provided, single submitter. Criteria: ACMG Guidelines, 2015. Collection method: clinical testing. Allele origin: germline.

Ambry Genetics
Classification: Uncertain significance for Inborn genetic diseases. Last evaluated: 2024-01-08. Review status: criteria provided, single submitter. Criteria: Ambry Variant Classification Scheme 2023. Collection method: clinical testing. Allele origin: germline.

PreventionGenetics, part of Exact Sciences
Classification: Uncertain significance for SALL4-related condition. Last evaluated: 2023-05-31. Review status: criteria provided, single submitter. Criteria: ACMG Guidelines, 2015. Collection method: clinical testing. Allele origin: germline.
Comment: The SALL4 c.766A>G variant is predicted to result in the amino acid substitution p.Thr256Ala. To our knowledge, this variant has not been reported in the literature. This variant is reported in 0.017% of alleles in individuals of European (Non-Finnish) descent in gnomAD. At this time, the clinical significance of this variant is uncertain due to the absence of conclusive functional and genetic evidence.

Fulgent Genetics
Classification: Uncertain significance for Oculootoradial syndrome; Duane-radial ray syndrome. Last evaluated: 2022-02-01. Review status: criteria provided, single submitter. Criteria: ACMG Guidelines, 2015. Collection method: clinical testing. Allele origin: unknown.

Eurofins Ntd Llc (ga)
Classification: Uncertain significance. Last evaluated: 2016-03-21. Review status: criteria provided, single submitter. Criteria: EGL Classification Definitions 2015. Collection method: clinical testing. Allele origin: germline. Observed: 1 variant allele, 1 heterozygote.